The following is an entry in ClinVar:

ClinVar aggregate classification (germline): Uncertain significance (1 of 4 stars; one submission).

Conditions:
Arrhythmogenic right ventricular dysplasia 13. Also called: ARRHYTHMOGENIC RIGHT VENTRICULAR CARDIOMYOPATHY 13; Arrhythmogenic right ventricular dysplasia, familial, 13. Identifiers: MedGen C3810138, MONDO:0000908, OMIM 615616.

Submission:

Labcorp Genetics (formerly Invitae), Labcorp
Classification: Uncertain significance for Arrhythmogenic right ventricular dysplasia 13. Last evaluated: 2022-08-21. Review status: criteria provided, single submitter. Criteria: Invitae Variant Classification Sherloc (09022015). Collection method: clinical testing. Allele origin: germline.
Comment: This variant is a gross deletion of the genomic region encompassing exon(s) 8-9 of the CTNNA3 gene. This variant would be expected to be in-frame, preserving the integrity of the reading frame. This variant has not been reported in the literature in individuals affected with CTNNA3-related conditions. Experimental studies and prediction algorithms are not available or were not evaluated, and the functional significance of this variant is currently unknown. In summary, the available evidence is currently insufficient to determine the role of this variant in disease. Therefore, it has been classified as a Variant of Uncertain Significance.

NC_000010.11:g.(?_66766244)_(66775544_?)del

Gene: CTNNA3 (catenin alpha 3; minus strand). Cytogenetic location: 10q21.3.
Variant type: Deletion.
Identifiers: ClinVar variation 474810 (VCV000474810.5).